The following is an entry in ClinVar:

ClinVar aggregate classification (germline): Uncertain significance. Review status: criteria provided, multiple submitters, no conflicts (2 of 4 stars). 2 submissions from 2 submitters: Uncertain significance (2). Last evaluated 2026-07-07.

Conditions:
Inborn genetic diseases. Identifiers: MedGen C0950123, MeSH D030342.

Submissions (2):

Ambry Genetics
Classification: Uncertain significance for Inborn genetic diseases. Last evaluated: 2026-07-07. Review status: criteria provided, single submitter. Criteria: Ambry Variant Classification Scheme 2023. Collection method: clinical testing. Allele origin: germline.
Comment: The p.V265A variant (also known as c.794T>C), located in coding exon 5 of the ETV6 gene, results from a T to C substitution at nucleotide position 794. The valine at codon 265 is replaced by alanine, an amino acid with similar properties. This amino acid position is conserved. In addition, this alteration is predicted to be tolerated by in silico analysis. Based on the available evidence, the clinical significance of this variant remains unclear.

Labcorp Genetics (formerly Invitae), Labcorp
Classification: Uncertain significance. Last evaluated: 2024-02-07. Review status: criteria provided, single submitter. Criteria: Invitae Variant Classification Sherloc (09022015). Collection method: clinical testing. Allele origin: germline.
Comment: This sequence change replaces valine, which is neutral and non-polar, with alanine, which is neutral and non-polar, at codon 265 of the ETV6 protein (p.Val265Ala). This variant is not present in population databases (gnomAD no frequency). This variant has not been reported in the literature in individuals affected with ETV6-related conditions. Advanced modeling of protein sequence and biophysical properties (such as structural, functional, and spatial information, amino acid conservation, physicochemical variation, residue mobility, and thermodynamic stability) performed at Invitae indicates that this missense variant is not expected to disrupt ETV6 protein function with a negative predictive value of 80%. In summary, the available evidence is currently insufficient to determine the role of this variant in disease. Therefore, it has been classified as a Variant of Uncertain Significance.

NM_001987.5(ETV6):c.794T>C (p.Val265Ala)

Gene: ETV6 (ETS variant transcription factor 6; plus strand). Cytogenetic location: 12p13.2.
Variant type: single nucleotide variant.
Coding change: c.794T>C on transcript NM_001987.5 (MANE Select); coding-DNA position 794, T replaced by C.
Protein change: p.Val265Ala; replaces valine 265 with alanine.
Molecular consequence: missense variant.
Genome position (GRCh38, 1-based): chr12:11,869,754, T>C. VCF-style: chr12-11869754-T-C. GRCh37 (hg19) VCF-style: chr12-12022688-T-C.
Other names: c.791T>C, p.Val264Ala (NM_001413913.1); c.767T>C, p.Val256Ala (NM_001413914.1); c.530T>C, p.Val177Ala (NM_001413915.1); c.794T>C, p.Val265Ala (NM_001413916.1, NM_001413917.1); short protein forms V256A, V264A, V265A, V177A.
Identifiers: ClinVar variation 3639552 (VCV003639552.3).
Genomic context (GRCh38, chr12:11,869,754, plus strand): 5'-GCCCAGCGTCCTCCGAGTCCCACCCGAAGCCATCCAGCCCCCGGCAGGAGAGCACACGCG[T>C]GATCCAGCTGATGCCCAGCCCCATCATGCACCCTCTGATCCTGAACCCCCGGCACTCCGT-3'
Protein context (NP_001978.1, residues 255-275): PSSPRQESTR[Val265Ala]IQLMPSPIMH